The following is an entry in ClinVar:

NM_006231.4(POLE):c.1473+6C>T

Gene: POLE (DNA polymerase epsilon, catalytic subunit; minus strand). Cytogenetic location: 12q24.33.
Variant type: single nucleotide variant.
Coding change: c.1473+6C>T on transcript NM_006231.4 (MANE Select); 6 bases into the intron after coding-DNA position 1473, C replaced by T.
Molecular consequence: intron variant.
Genome position (GRCh38, 1-based): chr12:132,673,158, G>A on the plus strand (C>T on the coding strand, the complement: POLE is on the minus strand). VCF-style: chr12-132673158-G-A. GRCh37 (hg19) VCF-style: chr12-133249744-G-A.
Identifiers: ClinVar variation 3148282 (VCV003148282.2), dbSNP rs2135995555, ClinGen allele CA2727564226.
Genomic context (GRCh38, chr12:132,673,158, plus strand): 5'-CCAGTGCATTTGGAATGGGGCAAGGGCTGAGGAGGCCAGGGTGCCGACAGGACAGATAAT[G>A]CTCACCTCGTCGGGCTCCATGGGAATAATGGTGCACAGAGCAAAGATGAATGGGTGGACG-3'

ClinVar aggregate classification (germline): Conflicting classifications of pathogenicity. Review status: criteria provided, conflicting classifications (1 of 4 stars). 2 submissions from 2 submitters: Uncertain significance (1); Likely benign (1). Last evaluated 2025-08-09.

Conditions:
Colorectal cancer, susceptibility to, 12 (CRCS12). Also called: COLORECTAL CANCER, SUSCEPTIBILITY TO, ON CHROMOSOME 12q24. Identifiers: Orphanet 220460, MedGen C3554460, MONDO:0014038, OMIM 615083.

Submissions (2):

Labcorp Genetics (formerly Invitae), Labcorp
Classification: Uncertain significance. Last evaluated: 2025-08-09. Review status: criteria provided, single submitter. Criteria: Invitae Variant Classification Sherloc (09022015). Collection method: clinical testing. Allele origin: germline.
Comment: This sequence change falls in intron 14 of the POLE gene. It does not directly change the encoded amino acid sequence of the POLE protein. It affects a nucleotide within the consensus splice site. This variant is not present in population databases (gnomAD no frequency). This variant has not been reported in the literature in individuals affected with POLE-related conditions. ClinVar contains an entry for this variant (Variation ID: 3148282). Variants that disrupt the consensus splice site are a relatively common cause of aberrant splicing (PMID: 17576681, 9536098). Algorithms developed to predict the effect of sequence changes on RNA splicing suggest that this variant is not likely to affect RNA splicing. In summary, the available evidence is currently insufficient to determine the role of this variant in disease. Therefore, it has been classified as a Variant of Uncertain Significance.

Myriad Genetics, Inc.
Classification: Likely benign for Colorectal cancer, susceptibility to, 12. Last evaluated: 2023-12-19. Review status: criteria provided, single submitter. Criteria: Myriad Autosomal Dominant, Autosomal Recessive and X-Linked Classification Criteria (2023). Collection method: clinical testing. Allele origin: unknown.
Comment: This variant is considered likely benign. This variant is intronic and is not expected to impact mRNA splicing.

Literature cited by the submitters: PubMed 17576681 (cited by Labcorp Genetics (formerly Invitae), Labcorp); PubMed 9536098 (cited by Labcorp Genetics (formerly Invitae), Labcorp).